The following is an entry in ClinVar:

NM_004725.4(BUB3):c.628C>G (p.Pro210Ala)

Gene: BUB3 (BUB3 mitotic checkpoint protein; plus strand). Cytogenetic location: 10q26.13.
Variant type: single nucleotide variant.
Coding change: c.628C>G on transcript NM_004725.4 (MANE Select); coding-DNA position 628, C replaced by G.
Protein change: p.Pro210Ala; replaces proline 210 with alanine.
Molecular consequence: missense variant.
Genome position (GRCh38, 1-based): chr10:123,162,287, C>G. VCF-style: chr10-123162287-C-G. GRCh37 (hg19) VCF-style: chr10-124921803-C-G.
Other names: c.628C>G, p.Pro210Ala (NM_001007793.3); short protein forms P210A.
Identifiers: ClinVar variation 1752645 (VCV001752645.2), dbSNP rs2493765863, ClinGen allele CA378626527.

ClinVar aggregate classification (germline): Uncertain significance (1 of 4 stars; one submission).

Submission:

Ambry Genetics
Classification: Uncertain significance. Last evaluated: 2022-05-14. Review status: criteria provided, single submitter. Criteria: Ambry Variant Classification Scheme 2023. Collection method: clinical testing. Allele origin: germline.
Comment: The p.P210A variant (also known as c.628C>G), located in coding exon 5 of the BUB3 gene, results from a C to G substitution at nucleotide position 628. The proline at codon 210 is replaced by alanine, an amino acid with highly similar properties. This amino acid position is conserved. In addition, the in silico prediction for this alteration is inconclusive. Since supporting evidence is limited at this time, the clinical significance of this alteration remains unclear.